The following is an entry in ClinVar:

NM_005353.3(ITGAD):c.2836A>C (p.Lys946Gln)

Gene: ITGAD (integrin subunit alpha D; plus strand). Cytogenetic location: 16p11.2.
Variant type: single nucleotide variant.
Coding change: c.2836A>C on transcript NM_005353.3 (MANE Select); coding-DNA position 2836, A replaced by C.
Protein change: p.Lys946Gln; replaces lysine 946 with glutamine.
Molecular consequence: missense variant.
Genome position (GRCh38, 1-based): chr16:31,423,169, A>C. VCF-style: chr16-31423169-A-C. GRCh37 (hg19) VCF-style: chr16-31434490-A-C.
Other names: c.2839A>C, p.Lys947Gln (NM_001318185.2); short protein forms K946Q, K947Q.
Identifiers: ClinVar variation 161631 (VCV000161631.2), dbSNP rs193921125, ClinGen allele CA174494.

ClinVar aggregate classification (germline): Uncertain significance (0 of 4 stars; one submission).

Conditions:
Prostate cancer. Also called: Malignant tumor of prostate. Identifiers: Orphanet 1331, MedGen C0376358, MONDO:0008315, HP:0012125.

Submission:

Science for Life laboratory,  Karolinska Institutet
Classification: Uncertain significance for Malignant tumor of prostate. Review status: no assertion criteria provided. Collection method: not provided. Allele origin: somatic.
Comment: TumorID:SWE-92B
ClinVar note: Converted during submission from Unknown to Uncertain significance.